The following is an entry in ClinVar:

NM_001728.4(BSG):c.*5+4C>T

Gene: BSG (basigin (Ok blood group); plus strand). Cytogenetic location: 19p13.3.
Variant type: single nucleotide variant.
Coding change: c.*5+4C>T on transcript NM_001728.4 (MANE Select); 4 bases into the intron after 5 bases downstream of the stop codon, C replaced by T.
Molecular consequence: intron variant.
Genome position (GRCh38, 1-based): chr19:582,586, C>T. VCF-style: chr19-582586-C-T. GRCh37 (hg19) VCF-style: chr19-582586-C-T.
Other names: c.*5+4C>T (NM_198590.3, NM_198591.4, NM_198589.3); c.*1+8C>T (NM_001322243.2).
Identifiers: ClinVar variation 4984253 (VCV004984253.1).
Genomic context (GRCh38, chr19:582,586, plus strand): 5'-GCAGCACCAGAATGACAAAGGCAAGAACGTCCGCCAGAGGAACTCTTCCTGAGGCAGGTG[C>T]GGTGGGCGGGAGCTCCTCCTGAGCCAGGTGTGGTGGGTGGGTGGGCGGGAACTCCTGAGC-3'

ClinVar aggregate classification (germline): Benign (1 of 4 stars; one submission).

Conditions:
BSG-related disorder. Also called: BSG-related condition.

gnomAD v4.1: 1,307 of 919,708 alleles (0.14%); highest among the groups gnomAD compares: South Asian, 2.4%; 11 homozygotes.

Submission:

PreventionGenetics, part of Exact Sciences
Classification: Benign for BSG-related condition. Last evaluated: 2026-08-13. Review status: criteria provided, single submitter. Criteria: ACMG Guidelines, 2015. Collection method: clinical testing. Allele origin: germline.
Comment: This variant is classified as benign based on ACMG/AMP sequence variant interpretation guidelines (Richards et al. 2015 PMID: 25741868, with internal and published modifications).